The following is an entry in ClinVar:

NM_004448.4(ERBB2):c.856G>C (p.Glu286Gln)

Gene: ERBB2 (erb-b2 receptor tyrosine kinase 2; plus strand). Cytogenetic location: 17q12.
Variant type: single nucleotide variant.
Coding change: c.856G>C on transcript NM_004448.4 (MANE Select); coding-DNA position 856, G replaced by C.
Protein change: p.Glu286Gln; replaces glutamic acid 286 with glutamine.
Molecular consequence: missense variant. On other transcripts: non-coding transcript variant (1), intron variant (2).
Genome position (GRCh38, 1-based): chr17:39,710,436, G>C. VCF-style: chr17-39710436-G-C. GRCh37 (hg19) VCF-style: chr17-37866689-G-C.
Other names: c.811G>C, p.Glu271Gln (NM_001289936.2); c.856G>C, p.Glu286Gln (NM_001289937.2, NM_001382784.1, NM_001382785.1 and 16 more transcripts); c.766G>C, p.Glu256Gln (NM_001289938.2, NM_001382782.1, NM_001382783.1 and 1 more transcripts); c.931G>C, p.Glu311Gln (NM_001382787.1); c.847G>C, p.Glu283Gln (NM_001382791.1); c.676G>C, p.Glu226Gln (NM_001382799.1); c.643+555G>C (NM_001382802.1); c.74-1492G>C (NM_001382804.1); short protein forms E226Q, E256Q, E271Q, E283Q, E286Q, E311Q.
Identifiers: ClinVar variation 1001093 (VCV001001093.8), dbSNP rs149210045, ClinGen allele CA399279616.

ClinVar aggregate classification (germline): Uncertain significance (1 of 4 stars; one submission).

Submission:

Labcorp Genetics (formerly Invitae), Labcorp
Classification: Uncertain significance. Last evaluated: 2025-02-26. Review status: criteria provided, single submitter. Criteria: Invitae Variant Classification Sherloc (09022015). Collection method: clinical testing. Allele origin: germline.
Comment: This sequence change replaces glutamic acid, which is acidic and polar, with glutamine, which is neutral and polar, at codon 286 of the ERBB2 protein (p.Glu286Gln). This variant is present in population databases (no rsID available, gnomAD 0.003%). This variant has not been reported in the literature in individuals affected with ERBB2-related conditions. ClinVar contains an entry for this variant (Variation ID: 1001093). Invitae Evidence Modeling of protein sequence and biophysical properties (such as structural, functional, and spatial information, amino acid conservation, physicochemical variation, residue mobility, and thermodynamic stability) indicates that this missense variant is not expected to disrupt ERBB2 protein function with a negative predictive value of 80%. In summary, the available evidence is currently insufficient to determine the role of this variant in disease. Therefore, it has been classified as a Variant of Uncertain Significance.